The following is an entry in ClinVar:

ClinVar aggregate classification (germline): Uncertain significance (1 of 4 stars; one submission).

Conditions:
Dyskeratosis congenita. Identifiers: Orphanet 1775, MedGen C0265965, MONDO:0015780.

Submission:

Labcorp Genetics (formerly Invitae), Labcorp
Classification: Uncertain significance for Dyskeratosis congenita. Last evaluated: 2021-07-22. Review status: criteria provided, single submitter. Criteria: Invitae Variant Classification Sherloc (09022015). Collection method: clinical testing. Allele origin: germline.
Comment: This variant has not been reported in the literature in individuals with NHP2-related conditions. This variant is not present in population databases (ExAC no frequency). This sequence change creates a premature translational stop signal (p.Gln36Profs*54) in the NHP2 gene. It is expected to result in an absent or disrupted protein product. The current clinical and genetic evidence is not sufficient to establish whether loss-of-function variants in NHP2 cause disease. In summary, the available evidence is currently insufficient to determine the role of this variant in disease. Therefore, it has been classified as a Variant of Uncertain Significance.

NM_017838.4(NHP2):c.106dup (p.Gln36fs)

Gene: NHP2 (NHP2 ribonucleoprotein; minus strand). Cytogenetic location: 5q35.3.
Variant type: Duplication.
Coding change: c.106dup on transcript NM_017838.4 (MANE Select); coding-DNA position 106, one base duplicated (C; older notation c.106dupC).
Protein change: p.Gln36fs; shifts the reading frame from glutamine 36.
Molecular consequence: frameshift variant.
Genome position (GRCh38, 1-based): chr5:178,153,712, G duplicated on the plus strand (C on the coding strand, the reverse complement: NHP2 is on the minus strand). VCF-style (leftmost placement, unchanged base first): chr5-178153711-T-TG. GRCh37 (hg19) VCF-style: chr5-177580712-T-TG.
Other names: c.106dup, p.Gln36fs (NM_001034833.2); short protein forms Q36fs.
Identifiers: ClinVar variation 859396 (VCV000859396.8), dbSNP rs1756333644, ClinGen allele CA916081472.
Genomic context (GRCh38, chr5:178,153,711, plus strand): 5'-GCCTCACCTTTCTTGATGCATTTGTAGAGCTTCCGCGTGAGGCGGCGAGAAGCCAGGGGC[T>TG]GCGCGATGGGGTTCTGGTTGACCAGCAGCTCCTGGTAGGTGCGCTCCCCGGAACACGCCT-3'